The following is an entry in ClinVar:

ClinVar aggregate classification (germline): Likely benign. Review status: criteria provided, multiple submitters, no conflicts (2 of 4 stars). 6 submissions from 6 submitters: Likely benign (6). Last evaluated 2026-05-08.

Conditions:
CLCN1-related disorder. Also called: CLCN1-related condition.
Congenital myotonia, autosomal dominant form (THD). Also called: THOMSEN DISEASE; Myotonia congenita autosomal dominant. Identifiers: Orphanet 614, MedGen C2936781, MONDO:0008055, OMIM 160800.
Congenital myotonia, autosomal recessive form. Also called: BECKER DISEASE; Becker Generalized Myotonia; myotonia congenita, autosomal recessive. Identifiers: Orphanet 614, MedGen C0751360, MONDO:0009715, OMIM 255700.

Allele frequency attached by ClinVar (database versions not stated): TOPMed 0.00026; gnomAD 0.00027; ESP Exome Variant Server 0.00054.

Submissions (6):

PreventionGenetics, part of Exact Sciences
Classification: Likely benign for CLCN1-related condition. Last evaluated: 2026-05-08. Review status: criteria provided, single submitter. Criteria: ACMG Guidelines, 2015. Collection method: clinical testing. Allele origin: germline.
Comment: This variant is classified as likely benign based on ACMG/AMP sequence variant interpretation guidelines (Richards et al. 2015 PMID: 25741868, with internal and published modifications).

Labcorp Genetics (formerly Invitae), Labcorp
Classification: Likely benign for Congenital myotonia, autosomal recessive form; Congenital myotonia, autosomal dominant form. Last evaluated: 2026-02-01. Review status: criteria provided, single submitter. Criteria: Invitae Variant Classification Sherloc (09022015). Collection method: clinical testing. Allele origin: germline.

Blueprint Genetics
Classification: Likely benign. Last evaluated: 2024-06-13. Review status: criteria provided, single submitter. Criteria: ACMG Guidelines, 2015. Collection method: clinical testing. Allele origin: germline.

Fulgent Genetics
Classification: Likely benign for Congenital myotonia, autosomal dominant form; Congenital myotonia, autosomal recessive form. Last evaluated: 2022-01-28. Review status: criteria provided, single submitter. Criteria: ACMG Guidelines, 2015. Collection method: clinical testing. Allele origin: unknown.

GeneDx
Classification: Likely benign. Last evaluated: 2020-09-04. Review status: criteria provided, single submitter. Criteria: GeneDx Variant Classification Process June 2021. Collection method: clinical testing. Allele origin: germline. Affected: yes.

Athena Diagnostics
Classification: Likely benign. Last evaluated: 2017-05-31. Review status: criteria provided, single submitter. Criteria: Athena Diagnostics Criteria. Collection method: clinical testing. Allele origin: germline.

NM_000083.3(CLCN1):c.2541C>T (p.His847=)

Gene: CLCN1 (chloride voltage-gated channel 1; plus strand). Cytogenetic location: 7q34.
Variant type: single nucleotide variant.
Coding change: c.2541C>T on transcript NM_000083.3 (MANE Select); coding-DNA position 2541, C replaced by T.
Protein change: p.His847=; no amino-acid change (histidine 847 retained).
Molecular consequence: synonymous variant. On other transcripts: non-coding transcript variant (1).
Genome position (GRCh38, 1-based): chr7:143,350,600, C>T. VCF-style: chr7-143350600-C-T. GRCh37 (hg19) VCF-style: chr7-143047693-C-T.
Identifiers: ClinVar variation 388183 (VCV000388183.15), dbSNP rs146653916, ClinGen allele CA4537726.
Genomic context (GRCh38, chr7:143,350,600, plus strand): 5'-TGCACTGACCTGTGCTCTTCATCCTCAGACTCATACCCTGTTTTCACTCCTTGGCCTCCA[C>T]CTCGCTTACGTGACCAGCATGGGGAAGCTCAGGGGCGTCCTGGCCCTGGAGGAGGTAATC-3'
Protein context (NP_000074.3, residues 837-857): THTLFSLLGL[His847=]LAYVTSMGKL